The following is an entry in ClinVar:

ClinVar aggregate classification (germline): Pathogenic. Review status: criteria provided, multiple submitters, no conflicts (2 of 4 stars). 2 submissions from 2 submitters: Pathogenic (2). Last evaluated 2021-11-01.

Conditions:
Developmental and epileptic encephalopathy, 7 (DEE7). Also called: KCNQ2-Related Neonatal Epileptic Encephalopathy; KCNQ2-Related Neonatal-Onset Developmental and Epileptic Encephalopathy (NEO-DEE); Early infantile epileptic encephalopathy 7. Identifiers: Orphanet 439218, MedGen C3150986, MONDO:0013387, OMIM 613720.
Seizures, benign familial neonatal, 1. Also called: KCNQ2-Related Benign Familial Neonatal Epilepsy; Seizures, benign neonatal, 1; KCNQ2-Related Self-Limited Familial Neonatal Epilepsy (SLFNE); Benign Neonatal Epilepsy 1. Identifiers: Orphanet 1949, MedGen C3149074, MONDO:0007365, OMIM 121200.

Submissions (2):

Center for Molecular Medicine, Children’s Hospital of Fudan University
Classification: Pathogenic for Seizures, benign familial neonatal, 1; Developmental and epileptic encephalopathy, 7. Last evaluated: 2021-11-01. Review status: criteria provided, single submitter. Criteria: ACMG Guidelines, 2015. Collection method: clinical testing. Allele origin: unknown. Affected: yes.

Baylor Genetics
Classification: Pathogenic for Developmental and epileptic encephalopathy, 7. Last evaluated: 2019-07-21. Review status: criteria provided, single submitter. Criteria: ACMG Guidelines, 2015. Collection method: clinical testing. Allele origin: de novo. Affected: yes.
Comment: This variant was determined to be pathogenic according to ACMG Guidelines, 2015 [PMID:25741868].

NM_172107.4(KCNQ2):c.1420G>T (p.Glu474Ter)

Gene: KCNQ2 (potassium voltage-gated channel subfamily Q member 2; minus strand). Cytogenetic location: 20q13.33.
Variant type: single nucleotide variant.
Coding change: c.1420G>T on transcript NM_172107.4 (MANE Select); coding-DNA position 1420, G replaced by T.
Protein change: p.Glu474Ter; replaces glutamic acid 474 with a stop codon.
Molecular consequence: nonsense.
Genome position (GRCh38, 1-based): chr20:63,415,008, C>A on the plus strand (G>T on the coding strand, the complement: KCNQ2 is on the minus strand). VCF-style: chr20-63415008-C-A. GRCh37 (hg19) VCF-style: chr20-62046361-C-A.
Other names: c.1366G>T, p.Glu456Ter (NM_001382235.1, NM_172106.3); c.1336G>T, p.Glu446Ter (NM_004518.6); c.1330G>T, p.Glu444Ter (NM_172108.5); short protein forms E456*, E446*, E444*, E474*.
Identifiers: ClinVar variation 1029260 (VCV001029260.5), dbSNP rs368130496, ClinGen allele CA409646605.